The following is an entry in ClinVar:

NM_000548.5(TSC2):c.2192A>C (p.Asp731Ala)

Gene: TSC2 (TSC complex subunit 2; plus strand). Cytogenetic location: 16p13.3.
Variant type: single nucleotide variant.
Coding change: c.2192A>C on transcript NM_000548.5 (MANE Select); coding-DNA position 2192, A replaced by C.
Protein change: p.Asp731Ala; replaces aspartic acid 731 with alanine.
Molecular consequence: missense variant.
Genome position (GRCh38, 1-based): chr16:2,072,335, A>C. VCF-style: chr16-2072335-A-C. GRCh37 (hg19) VCF-style: chr16-2122336-A-C.
Other names: c.2192A>C, p.Asp731Ala (NM_001077183.3, NM_001114382.3, NM_001363528.2 and 3 more transcripts); c.2081A>C, p.Asp694Ala (NM_001318827.2); c.2045A>C, p.Asp682Ala (NM_001318829.2); c.1592A>C, p.Asp531Ala (NM_001318831.2); c.2225A>C, p.Asp742Ala (NM_001318832.2); short protein forms D694A, D742A, D682A, D731A, D531A.
Identifiers: ClinVar variation 1394019 (VCV001394019.6), dbSNP rs2151318889, ClinGen allele CA394275023.

ClinVar aggregate classification (germline): Uncertain significance (1 of 4 stars; one submission).

Conditions:
Tuberous sclerosis 2 (TSC2). Identifiers: Orphanet 805, MedGen C1860707, MONDO:0013199, OMIM 613254.

Submission:

Labcorp Genetics (formerly Invitae), Labcorp
Classification: Uncertain significance for Tuberous sclerosis 2. Last evaluated: 2021-11-19. Review status: criteria provided, single submitter. Criteria: Invitae Variant Classification Sherloc (09022015). Collection method: clinical testing. Allele origin: germline.
Comment: This variant is not present in population databases (gnomAD no frequency). This sequence change replaces aspartic acid, which is acidic and polar, with alanine, which is neutral and non-polar, at codon 731 of the TSC2 protein (p.Asp731Ala). This variant has not been reported in the literature in individuals affected with TSC2-related conditions. Advanced modeling of protein sequence and biophysical properties (such as structural, functional, and spatial information, amino acid conservation, physicochemical variation, residue mobility, and thermodynamic stability) performed at Invitae indicates that this missense variant is not expected to disrupt TSC2 protein function. In summary, the available evidence is currently insufficient to determine the role of this variant in disease. Therefore, it has been classified as a Variant of Uncertain Significance.